The following is an entry in ClinVar:

NM_003073.5(SMARCB1):c.159_160delinsTATCTGGAGGCG (p.Leu54fs)

Gene: SMARCB1 (SWI/SNF related BAF chromatin remodeling complex subunit B1; plus strand). Cytogenetic location: 22q11.23.
Variant type: Indel.
Coding change: c.159_160delinsTATCTGGAGGCG on transcript NM_003073.5 (MANE Select); coding-DNA positions 159 to 160, AC replaced by TATCTGGAGGCG.
Protein change: p.Leu54fs; shifts the reading frame from leucine 54.
Molecular consequence: frameshift variant.
Genome position (GRCh38, 1-based): chr22:23,791,821-23,791,822, AC replaced by TATCTGGAGGCG. VCF-style: chr22-23791821-AC-TATCTGGAGGCG. GRCh37 (hg19) VCF-style: chr22-24134008-AC-TATCTGGAGGCG.
Other names: c.159_160delinsTATCTGGAGGCG, p.Leu54fs (NM_001007468.3, NM_001317946.2, NM_001362877.2); short protein forms L54fs.
Identifiers: ClinVar variation 970131 (VCV000970131.1), dbSNP rs1928400754, ClinGen allele CA1139666984.

ClinVar aggregate classification (germline): Pathogenic (1 of 4 stars; one submission).

Submission:

Labcorp Genetics (formerly Invitae), Labcorp
Classification: Pathogenic. Last evaluated: 2019-08-28. Review status: criteria provided, single submitter. Criteria: Invitae Variant Classification Sherloc (09022015). Collection method: clinical testing. Allele origin: germline.
Comment: This sequence change creates a premature translational stop signal (p.Leu54Ilefs*20) in the SMARCB1 gene. It is expected to result in an absent or disrupted protein product. This variant is not present in population databases (ExAC no frequency). This variant has not been reported in the literature in individuals with SMARCB1-related conditions. Loss-of-function variants in SMARCB1 are known to be pathogenic (PMID: 10521299, 21208904). For these reasons, this variant has been classified as Pathogenic.